The following is an entry in ClinVar:

NM_000352.6(ABCC8):c.4078dup (p.Val1360fs)

Gene: ABCC8 (ATP binding cassette subfamily C member 8; minus strand). Cytogenetic location: 11p15.1.
Variant type: Duplication.
Coding change: c.4078dup on transcript NM_000352.6 (MANE Select); coding-DNA position 4078, one base duplicated (G; older notation c.4078dupG).
Protein change: p.Val1360fs; shifts the reading frame from valine 1360.
Molecular consequence: frameshift variant. On other transcripts: non-coding transcript variant (1).
Genome position (GRCh38, 1-based): chr11:17,396,957, C duplicated on the plus strand (G on the coding strand, the reverse complement: ABCC8 is on the minus strand); the first of 2 consecutive C bases (chr11:17,396,957-17,396,958); duplicating either gives the same sequence. VCF-style (leftmost placement, unchanged base first): chr11-17396956-A-AC. GRCh37 (hg19) VCF-style: chr11-17418503-A-AC.
Other names: c.4081dup, p.Val1361fs (NM_001287174.3); c.4144dup, p.Val1382fs (NM_001351295.2); c.4078dup, p.Val1360fs (NM_001351296.2); c.4075dup, p.Val1359fs (NM_001351297.2); short protein forms V1359fs, V1360fs, V1361fs, V1382fs.
Identifiers: ClinVar variation 5011808 (VCV005011808.1).
Genomic context (GRCh38, chr11:17,396,956, plus strand): 5'-GGTTGGGCCCGTGCTCTGACCTTCTGTCCAGGGGCGATGAGGGCATTGACGTGCTTCAGC[A>AC]CCGGCTTCAGGGAGCTGTCGTAGCGCACGCTCAGGTTCTGGATCTGGATCTTCCCTTGGT-3'

ClinVar aggregate classification (germline): Pathogenic (1 of 4 stars; one submission).

Conditions:
Hyperinsulinemic hypoglycemia, familial, 1 (HHF1). Also called: HYPERINSULINISM, FAMILIAL, WITH PANCREATIC NESIDIOBLASTOSIS; HYPOGLYCEMIA, HYPERINSULINEMIC, OF INFANCY; NESIDIOBLASTOSIS OF PANCREAS; Persistent Hyperinsulinemia Hypoglycemia of Infancy; Persistent hyperinsulinemic hypoglycemia of infancy. Identifiers: Orphanet 276575, Orphanet 276598, MedGen C2931832, MONDO:0009734, OMIM 256450.

Submission:

Myriad Genetics, Inc.
Classification: Pathogenic for Hyperinsulinemic hypoglycemia, familial, 1. Last evaluated: 2023-09-27. Review status: criteria provided, single submitter. Criteria: Myriad Autosomal Dominant, Autosomal Recessive and X-Linked Classification Criteria (2023). Collection method: clinical testing. Allele origin: unknown.
Comment: NM_000352.3(ABCC8):c.4078dupG(V1360Gfs*46) is expected to be pathogenic in the context of familial hyperinsulinism, ABCC8-related. This variant is predicted to lead to an abnormal or absent protein product due to the creation of a premature termination codon in ABCC8, a gene where loss-of-function variants are known to be pathogenic. Please note: this variant was assessed in the context of healthy population screening.